The following is an entry in ClinVar:

NM_145046.5(CALR3):c.39G>A (p.Met13Ile)

Gene: CALR3 (calreticulin 3; minus strand). Cytogenetic location: 19p13.11.
Variant type: single nucleotide variant.
Coding change: c.39G>A on transcript NM_145046.5 (MANE Select); coding-DNA position 39, G replaced by A.
Protein change: p.Met13Ile; replaces methionine 13 with isoleucine.
Molecular consequence: missense variant.
Genome position (GRCh38, 1-based): chr19:16,496,091, C>T on the plus strand (G>A on the coding strand, the complement: CALR3 is on the minus strand). VCF-style: chr19-16496091-C-T. GRCh37 (hg19) VCF-style: chr19-16606902-C-T.
Other names: short protein forms M13I.
Identifiers: ClinVar variation 2742238 (VCV002742238.3), dbSNP rs1022237662, ClinGen allele CA305997394.
Genomic context (GRCh38, chr19:16,496,091, plus strand): 5'-CCCTTCACCTCCGTCTAGAAATTCCTCTTGGAAATAGACGGTAGCCAGCGCCACTCGCAG[C>T]ATGCATATGGCCCAGAGCTGGACCAAAGCCCGGGCCATGGGGGTGTGCACTGCGCTTCCG-3'
Protein context (NP_659483.2, residues 3-23): RALVQLWAIC[Met13Ile]LRVALATVYF

ClinVar aggregate classification (germline): Uncertain significance (1 of 4 stars; one submission).

Conditions:
Hypertrophic cardiomyopathy 19. Also called: Familial hypertrophic cardiomyopathy 19. Identifiers: MedGen CN077603, MONDO:0013476.

Allele frequency attached by ClinVar (database versions not stated): TOPMed 0.00002; gnomAD 0.00005.

Submission:

Labcorp Genetics (formerly Invitae), Labcorp
Classification: Uncertain significance for Hypertrophic cardiomyopathy 19. Last evaluated: 2025-03-16. Review status: criteria provided, single submitter. Criteria: Invitae Variant Classification Sherloc (09022015). Collection method: clinical testing. Allele origin: germline.
Comment: This sequence change replaces methionine, which is neutral and non-polar, with isoleucine, which is neutral and non-polar, at codon 13 of the CALR3 protein (p.Met13Ile). This variant is present in population databases (no rsID available, gnomAD 0.03%). This variant has not been reported in the literature in individuals affected with CALR3-related conditions. ClinVar contains an entry for this variant (Variation ID: 2742238). Invitae Evidence Modeling of protein sequence and biophysical properties (such as structural, functional, and spatial information, amino acid conservation, physicochemical variation, residue mobility, and thermodynamic stability) indicates that this missense variant is not expected to disrupt CALR3 protein function with a negative predictive value of 80%. In summary, the available evidence is currently insufficient to determine the role of this variant in disease. Therefore, it has been classified as a Variant of Uncertain Significance.